The following is an entry in ClinVar:

ClinVar aggregate classification (germline): Uncertain significance (1 of 4 stars; one submission).

Conditions:
Joubert syndrome. Also called: Familial aplasia of the vermis; JOUBERT-BOLTSHAUSER SYNDROME; CEREBELLOPARENCHYMAL DISORDER IV. Identifiers: Orphanet 475, MedGen C5979921, MONDO:0018772.
Orofaciodigital syndrome I (OFD1). Also called: Papillon-Leage and Psaume Syndrome; OFDS I; Oral-Facial-Digital Syndrome Type I. Identifiers: Orphanet 2750, MedGen C1510460, MONDO:0010702, OMIM 311200.

gnomAD v4.1: 3 of 1,117,992 alleles (0.00027%); highest among the groups gnomAD compares: Non-Finnish European, 0.00037%; no homozygotes.

Submission:

Labcorp Genetics (formerly Invitae), Labcorp
Classification: Uncertain significance for Orofaciodigital syndrome I; Joubert syndrome. Last evaluated: 2025-10-11. Review status: criteria provided, single submitter. Criteria: Invitae Variant Classification Sherloc (09022015). Collection method: clinical testing. Allele origin: germline.
Comment: This sequence change affects codon 168 of the OFD1 mRNA. It is a 'silent' change, meaning that it does not change the encoded amino acid sequence of the OFD1 protein. This variant is not present in population databases (gnomAD no frequency). This variant has not been reported in the literature in individuals affected with OFD1-related conditions. Algorithms developed to predict the effect of sequence changes on RNA splicing suggest that this variant may disrupt the consensus splice site. In summary, the available evidence is currently insufficient to determine the role of this variant in disease. Therefore, it has been classified as a Variant of Uncertain Significance.

NM_003611.3(OFD1):c.504C>T (p.Asn168=)

Gene: OFD1 (OFD1 centriole and centriolar satellite protein; plus strand). Cytogenetic location: Xp22.2.
Variant type: single nucleotide variant.
Coding change: c.504C>T on transcript NM_003611.3 (MANE Select); coding-DNA position 504, C replaced by T.
Protein change: p.Asn168=; no amino-acid change (asparagine 168 retained).
Molecular consequence: synonymous variant.
Genome position (GRCh38, 1-based): chrX:13,744,506, C>T. VCF-style: chrX-13744506-C-T. GRCh37 (hg19) VCF-style: chrX-13762625-C-T.
Other names: c.504C>T, p.Asn168= (NM_001330209.2, NM_001440947.1, NM_001440948.1); c.84C>T, p.Asn28= (NM_001330210.2).
Identifiers: ClinVar variation 4788679 (VCV004788679.1).